The following is an entry in ClinVar:

NM_013254.4(TBK1):c.1213C>T (p.Arg405Cys)

Gene: TBK1 (TANK binding kinase 1; plus strand). Cytogenetic location: 12q14.2.
Variant type: single nucleotide variant.
Coding change: c.1213C>T on transcript NM_013254.4 (MANE Select); coding-DNA position 1213, C replaced by T.
Protein change: p.Arg405Cys; replaces arginine 405 with cysteine.
Molecular consequence: missense variant.
Genome position (GRCh38, 1-based): chr12:64,485,478, C>T. VCF-style: chr12-64485478-C-T. GRCh37 (hg19) VCF-style: chr12-64879258-C-T.
Other names: short protein forms R405C.
Identifiers: ClinVar variation 2304937 (VCV002304937.6), dbSNP rs2539519065, ClinGen allele CA385600706.

ClinVar aggregate classification (germline): Uncertain significance. Review status: criteria provided, multiple submitters, no conflicts (2 of 4 stars). 2 submissions from 2 submitters: Uncertain significance (2). Last evaluated 2025-08-13.

Conditions:
Frontotemporal dementia and/or amyotrophic lateral sclerosis 4. Also called: FTDALS4. Identifiers: Orphanet 275872, MedGen C4225325, MONDO:0014641, OMIM 616439.
Inborn genetic diseases. Identifiers: MedGen C0950123, MeSH D030342.

Allele frequency attached by ClinVar (database versions not stated): gnomAD exomes below 0.00001.

Submissions (2):

Ambry Genetics
Classification: Uncertain significance for Inborn genetic diseases. Last evaluated: 2025-08-13. Review status: criteria provided, single submitter. Criteria: Ambry Variant Classification Scheme 2023. Collection method: clinical testing. Allele origin: germline.

Labcorp Genetics (formerly Invitae), Labcorp
Classification: Uncertain significance for Frontotemporal dementia and/or amyotrophic lateral sclerosis 4. Last evaluated: 2024-01-17. Review status: criteria provided, single submitter. Criteria: Invitae Variant Classification Sherloc (09022015). Collection method: clinical testing. Allele origin: germline.
Comment: This sequence change replaces arginine, which is basic and polar, with cysteine, which is neutral and slightly polar, at codon 405 of the TBK1 protein (p.Arg405Cys). This variant is not present in population databases (gnomAD no frequency). This variant has not been reported in the literature in individuals affected with TBK1-related conditions. ClinVar contains an entry for this variant (Variation ID: 2304937). Advanced modeling of protein sequence and biophysical properties (such as structural, functional, and spatial information, amino acid conservation, physicochemical variation, residue mobility, and thermodynamic stability) performed at Invitae indicates that this missense variant is not expected to disrupt TBK1 protein function with a negative predictive value of 95%. In summary, the available evidence is currently insufficient to determine the role of this variant in disease. Therefore, it has been classified as a Variant of Uncertain Significance.